The following is an entry in ClinVar:

NM_021922.3(FANCE):c.1051C>G (p.Leu351Val)

Gene: FANCE (FA complementation group E; plus strand). Cytogenetic location: 6p21.31.
Variant type: single nucleotide variant.
Coding change: c.1051C>G on transcript NM_021922.3 (MANE Select); coding-DNA position 1051, C replaced by G.
Protein change: p.Leu351Val; replaces leucine 351 with valine.
Molecular consequence: missense variant.
Genome position (GRCh38, 1-based): chr6:35,458,378, C>G. VCF-style: chr6-35458378-C-G. GRCh37 (hg19) VCF-style: chr6-35426155-C-G.
Other names: c.1051C>G, p.Leu351Val (NM_001410876.1); short protein forms L351V.
Identifiers: ClinVar variation 1904971 (VCV001904971.4), dbSNP rs2533672510, ClinGen allele CA363775215.
Genomic context (GRCh38, chr6:35,458,378, plus strand): 5'-CTGCAGCTCCCTCAGCTCTCAGACCTCGGTCTCCTGCGGCTCTGCACCTGGCTGCTGGCC[C>G]TTTCACCTGATCTCAGCCTCAGCAATGCTACTGTGCTGACCAGAAGCCTCTTTCTTGGAC-3'
Protein context (NP_068741.1, residues 341-361): LLRLCTWLLA[Leu351Val]SPDLSLSNAT

ClinVar aggregate classification (germline): Uncertain significance (1 of 4 stars; one submission).

Conditions:
Fanconi anemia complementation group E (FANCE). Also called: FANCE-Related Fanconi Anemia. Identifiers: Orphanet 84, MedGen C3160739, MONDO:0010953, OMIM 600901.

Allele frequency attached by ClinVar (database versions not stated): gnomAD exomes 0.00001.

Submission:

Labcorp Genetics (formerly Invitae), Labcorp
Classification: Uncertain significance for Fanconi anemia complementation group E. Last evaluated: 2022-01-25. Review status: criteria provided, single submitter. Criteria: Invitae Variant Classification Sherloc (09022015). Collection method: clinical testing. Allele origin: germline.
Comment: This sequence change replaces leucine, which is neutral and non-polar, with valine, which is neutral and non-polar, at codon 351 of the FANCE protein (p.Leu351Val). This variant is not present in population databases (gnomAD no frequency). This variant has not been reported in the literature in individuals affected with FANCE-related conditions. Algorithms developed to predict the effect of missense changes on protein structure and function are either unavailable or do not agree on the potential impact of this missense change (SIFT: "Tolerated"; PolyPhen-2: "Possibly Damaging"; Align-GVGD: "Class C0"). In summary, the available evidence is currently insufficient to determine the role of this variant in disease. Therefore, it has been classified as a Variant of Uncertain Significance.